The following is an entry in ClinVar:

NM_001007553.3(CSDE1):c.1339A>G (p.Asn447Asp)

Gene: CSDE1 (cold shock domain containing E1; minus strand). Cytogenetic location: 1p13.2.
Variant type: single nucleotide variant.
Coding change: c.1339A>G on transcript NM_001007553.3 (MANE Select); coding-DNA position 1339, A replaced by G.
Protein change: p.Asn447Asp; replaces asparagine 447 with aspartic acid.
Molecular consequence: missense variant.
Genome position (GRCh38, 1-based): chr1:114,730,275, T>C on the plus strand (A>G on the coding strand, the complement: CSDE1 is on the minus strand). VCF-style: chr1-114730275-T-C. GRCh37 (hg19) VCF-style: chr1-115272896-T-C.
Other names: c.1384A>G, p.Asn462Asp (NM_001130523.3); c.1477A>G, p.Asn493Asp (NM_001242891.2); c.1339A>G, p.Asn447Asp (NM_001242892.2); c.1246A>G, p.Asn416Asp (NM_001242893.2, NM_007158.6); short protein forms N416D, N447D, N462D, N493D.
Identifiers: ClinVar variation 3626886 (VCV003626886.2).

ClinVar aggregate classification (germline): Uncertain significance (1 of 4 stars; one submission).

gnomAD v4.1: 5 of 1,612,600 alleles (0.00031%); highest among the groups gnomAD compares: Admixed American, 0.0067%; no homozygotes.

Submission:

Labcorp Genetics (formerly Invitae), Labcorp
Classification: Uncertain significance. Last evaluated: 2024-04-25. Review status: criteria provided, single submitter. Criteria: Invitae Variant Classification Sherloc (09022015). Collection method: clinical testing. Allele origin: germline.
Comment: This sequence change replaces asparagine, which is neutral and polar, with aspartic acid, which is acidic and polar, at codon 462 of the CSDE1 protein (p.Asn462Asp). This variant is present in population databases (no rsID available, gnomAD 0.009%). This variant has not been reported in the literature in individuals affected with CSDE1-related conditions. An algorithm developed to predict the effect of missense changes on protein structure and function (PolyPhen-2) suggests that this variant is likely to be tolerated. In summary, the available evidence is currently insufficient to determine the role of this variant in disease. Therefore, it has been classified as a Variant of Uncertain Significance.